The following is an entry in ClinVar:

NM_020207.7(ERCC6L2):c.970G>A (p.Gly324Arg)

Gene: ERCC6L2 (ERCC excision repair 6 like 2; plus strand). Cytogenetic location: 9q22.32.
Variant type: single nucleotide variant.
Coding change: c.970G>A on transcript NM_020207.7 (MANE Select); coding-DNA position 970, G replaced by A.
Protein change: p.Gly324Arg; replaces glycine 324 with arginine.
Molecular consequence: missense variant. On other transcripts: non-coding transcript variant (1).
Genome position (GRCh38, 1-based): chr9:95,916,246, G>A. VCF-style: chr9-95916246-G-A. GRCh37 (hg19) VCF-style: chr9-98678528-G-A.
Other names: c.970G>A, p.Gly324Arg (NM_001010895.4, NM_001375291.1, NM_001375292.1 and 2 more transcripts); short protein forms G324R.
Identifiers: ClinVar variation 4019397 (VCV004019397.1).

ClinVar aggregate classification (germline): Uncertain significance (1 of 4 stars; one submission).

Conditions:
Inborn genetic diseases. Identifiers: MedGen C0950123, MeSH D030342.

Submission:

Ambry Genetics
Classification: Uncertain significance for Inborn genetic diseases. Last evaluated: 2025-06-06. Review status: criteria provided, single submitter. Criteria: Ambry Variant Classification Scheme 2023. Collection method: clinical testing. Allele origin: germline.
Comment: The p.G324R variant (also known as c.970G>A), located in coding exon 6 of the ERCC6L2 gene, results from a G to A substitution at nucleotide position 970. The glycine at codon 324 is replaced by arginine, an amino acid with dissimilar properties. This amino acid position is conserved. In addition, this alteration is predicted to be deleterious by in silico analysis. Based on the available evidence, the clinical significance of this variant remains unclear.